The following is an entry in ClinVar:

NM_000376.3(VDR):c.*1906C>G

Gene: VDR (vitamin D receptor; minus strand). Cytogenetic location: 12q13.11.
Variant type: single nucleotide variant.
Coding change: c.*1906C>G on transcript NM_000376.3 (MANE Select); 1906 bases downstream of the stop codon, C replaced by G.
Molecular consequence: 3 prime UTR variant.
Genome position (GRCh38, 1-based): chr12:47,842,840, G>C on the plus strand (C>G on the coding strand, the complement: VDR is on the minus strand). VCF-style: chr12-47842840-G-C. GRCh37 (hg19) VCF-style: chr12-48236623-G-C.
Other names: c.*1906C>G (NM_001017535.2, NM_001017536.2, NM_001374661.1 and 1 more transcripts); c.*1705C>G (NM_001364085.2).
Identifiers: ClinVar variation 884171 (VCV000884171.4), dbSNP rs9729, ClinGen allele CA236504414.

ClinVar aggregate classification (germline): Uncertain significance (1 of 4 stars; one submission).

Conditions:
Vitamin D-dependent rickets type II with alopecia (VDDR2A). Also called: GENERALIZED RESISTANCE TO 1,25-DIHYDROXYVITAMIN D; HYPOCALCEMIC VITAMIN D-RESISTANT RICKETS; PDDR IIA; PSEUDOVITAMIN D-DEFICIENCY, TYPE IIA; RICKETS, HEREDITARY VITAMIN D-RESISTANT; RICKETS-ALOPECIA SYNDROME. Identifiers: Orphanet 93160, MedGen C0342646, MONDO:0010186, OMIM 277440.

Allele frequency attached by ClinVar (database versions not stated): 1000 Genomes Project 0.00719; 1000 Genomes Project 30x 0.00843.

Submission:

Illumina Laboratory Services, Illumina
Classification: Uncertain significance for Vitamin D-dependent rickets type II with alopecia. Last evaluated: 2017-04-28. Review status: criteria provided, single submitter. Criteria: ICSL Variant Classification Criteria 13 December 2019. Collection method: clinical testing. Allele origin: germline.
Comment: This variant was observed as part of a predisposition screen in an ostensibly healthy population. A literature search was performed for the gene, cDNA change, and amino acid change (where applicable). Publications were found based on this search. However, the evidence from the literature, in combination with allele frequency data from public databases where available, was not sufficient to rule this variant in or out of causing disease. Therefore, this variant is classified as a variant of unknown significance.

Literature cited by the submitters: PubMed 18593774; PubMed 27607899; PubMed 19682379; PubMed 17130574; PubMed 21931507; PubMed 27778467; PubMed 27164139; PubMed 26177022; PubMed 18279374; PubMed 26590811; PubMed 17371163.